The following is an entry in ClinVar:

NM_003482.4(KMT2D):c.14429A>G (p.Lys4810Arg)

Gene: KMT2D (lysine methyltransferase 2D; minus strand). Cytogenetic location: 12q13.12.
Variant type: single nucleotide variant.
Coding change: c.14429A>G on transcript NM_003482.4 (MANE Select); coding-DNA position 14429, A replaced by G.
Protein change: p.Lys4810Arg; replaces lysine 4810 with arginine.
Molecular consequence: missense variant.
Genome position (GRCh38, 1-based): chr12:49,028,095, T>C on the plus strand (A>G on the coding strand, the complement: KMT2D is on the minus strand). VCF-style: chr12-49028095-T-C. GRCh37 (hg19) VCF-style: chr12-49421878-T-C.
Other names: short protein forms K4810R.
Identifiers: ClinVar variation 1313594 (VCV001313594.2), dbSNP rs2120379085, ClinGen allele CA384695297.

ClinVar aggregate classification (germline): Uncertain significance (1 of 4 stars; one submission).

Submission:

GeneDx
Classification: Uncertain significance. Last evaluated: 2020-10-27. Review status: criteria provided, single submitter. Criteria: GeneDx Variant Classification Process June 2021. Collection method: clinical testing. Allele origin: germline. Affected: yes.
Comment: Not observed in large population cohorts (Lek et al., 2016); In silico analysis supports that this missense variant does not alter protein structure/function; Has not been previously published as pathogenic or benign to our knowledge